The following is an entry in ClinVar:

NM_001735.3(C5):c.732G>T (p.Lys244Asn)

Gene: C5 (complement C5; minus strand). Cytogenetic location: 9q33.2.
Variant type: single nucleotide variant.
Coding change: c.732G>T on transcript NM_001735.3 (MANE Select); coding-DNA position 732, G replaced by T.
Protein change: p.Lys244Asn; replaces lysine 244 with asparagine.
Molecular consequence: missense variant.
Genome position (GRCh38, 1-based): chr9:121,030,423, C>A on the plus strand (G>T on the coding strand, the complement: C5 is on the minus strand). VCF-style: chr9-121030423-C-A. GRCh37 (hg19) VCF-style: chr9-123792701-C-A.
Other names: c.750G>T, p.Lys250Asn (NM_001317163.2); c.732G>T, p.Lys244Asn (NM_001317164.2); short protein forms K244N, K250N.
Identifiers: ClinVar variation 2326919 (VCV002326919.3), dbSNP rs1396273375, ClinGen allele CA374756943.

ClinVar aggregate classification (germline): Conflicting classifications of pathogenicity. Review status: criteria provided, conflicting classifications (1 of 4 stars). 2 submissions from 2 submitters: Uncertain significance (1); Likely benign (1). Last evaluated 2025-08-19.

Allele frequency attached by ClinVar (database versions not stated): gnomAD exomes 0.00001; gnomAD 0.00001; TOPMed 0.00002.
gnomAD v4.1: 6 of 1,524,506 alleles (0.00039%); highest among the groups gnomAD compares: Non-Finnish European, 0.00053%; no homozygotes.

Submissions (2):

Labcorp Genetics (formerly Invitae), Labcorp
Classification: Uncertain significance. Last evaluated: 2025-08-19. Review status: criteria provided, single submitter. Criteria: Invitae Variant Classification Sherloc (09022015). Collection method: clinical testing. Allele origin: germline.
Comment: This sequence change replaces lysine, which is basic and polar, with asparagine, which is neutral and polar, at codon 244 of the C5 protein (p.Lys244Asn). The frequency data for this variant in the population databases is considered unreliable, as metrics indicate poor data quality at this position in the gnomAD database. This variant has not been reported in the literature in individuals affected with C5-related conditions. ClinVar contains an entry for this variant (Variation ID: 2326919). Invitae Evidence Modeling of protein sequence and biophysical properties (such as structural, functional, and spatial information, amino acid conservation, physicochemical variation, residue mobility, and thermodynamic stability) indicates that this missense variant is not expected to disrupt C5 protein function with a negative predictive value of 80%. In summary, the available evidence is currently insufficient to determine the role of this variant in disease. Therefore, it has been classified as a Variant of Uncertain Significance.

Ambry Genetics
Classification: Likely benign. Last evaluated: 2022-11-17. Review status: criteria provided, single submitter. Criteria: Ambry Variant Classification Scheme 2023. Collection method: clinical testing. Allele origin: germline.